The following is an entry in ClinVar:

ClinVar aggregate classification (germline): Uncertain significance. Review status: criteria provided, multiple submitters, no conflicts (2 of 4 stars). 2 submissions from 2 submitters: Uncertain significance (2). Last evaluated 2025-05-11.

Conditions:
Intellectual developmental disorder, autosomal recessive 37. Also called: Intellectual disability-hypotonia-spasticity-sleep disorder syndrome. Identifiers: Orphanet 356996, MedGen C3809672, MONDO:0014210, OMIM 615493.

Allele frequency attached by ClinVar (database versions not stated): TOPMed 0.00004.
gnomAD v4.1: 38 of 1,613,822 alleles (0.0024%); highest among the groups gnomAD compares: Admixed American, 0.015%; no homozygotes.

Submissions (2):

Labcorp Genetics (formerly Invitae), Labcorp
Classification: Uncertain significance. Last evaluated: 2025-05-11. Review status: criteria provided, single submitter. Criteria: Invitae Variant Classification Sherloc (09022015). Collection method: clinical testing. Allele origin: germline.
Comment: This sequence change replaces arginine, which is basic and polar, with cysteine, which is neutral and slightly polar, at codon 2239 of the ANK3 protein (p.Arg2239Cys). This variant is present in population databases (rs747533848, gnomAD 0.02%). This variant has not been reported in the literature in individuals affected with ANK3-related conditions. ClinVar contains an entry for this variant (Variation ID: 930814). Invitae Evidence Modeling of protein sequence and biophysical properties (such as structural, functional, and spatial information, amino acid conservation, physicochemical variation, residue mobility, and thermodynamic stability) indicates that this missense variant is not expected to disrupt ANK3 protein function with a negative predictive value of 80%. In summary, the available evidence is currently insufficient to determine the role of this variant in disease. Therefore, it has been classified as a Variant of Uncertain Significance.

Centre for Mendelian Genomics, University Medical Centre Ljubljana
Classification: Uncertain significance for Intellectual developmental disorder, autosomal recessive 37. Last evaluated: 2019-12-24. Review status: criteria provided, single submitter. Criteria: ACMG Guidelines, 2015. Collection method: clinical testing. Allele origin: unknown. Affected: yes.
Comment: This variant was classified as: Uncertain significance. The available evidence on this variant's pathogenicity is insufficient or conflicting. The following ACMG criteria were applied in classifying this variant: PP3,BP1.

NM_020987.5(ANK3):c.6715C>T (p.Arg2239Cys)

Gene: ANK3 (ankyrin 3; minus strand). Cytogenetic location: 10q21.2.
Variant type: single nucleotide variant.
Coding change: c.6715C>T on transcript NM_020987.5 (MANE Select); coding-DNA position 6715, C replaced by T.
Protein change: p.Arg2239Cys; replaces arginine 2239 with cysteine.
Molecular consequence: missense variant. On other transcripts: intron variant (4).
Genome position (GRCh38, 1-based): chr10:60,074,166, G>A on the plus strand (C>T on the coding strand, the complement: ANK3 is on the minus strand). VCF-style: chr10-60074166-G-A. GRCh37 (hg19) VCF-style: chr10-61833924-G-A.
Other names: c.4388-6157C>T (NM_001204403.2); c.4409-6157C>T (NM_001204404.2); c.4406-6157C>T (NM_001320874.2); c.1808-6157C>T (NM_001149.4); short protein forms R2239C.
Identifiers: ClinVar variation 930814 (VCV000930814.4), dbSNP rs747533848, ClinGen allele CA5511828.
Genomic context (GRCh38, chr10:60,074,166, plus strand): 5'-CTGGTGGAGAATGATAAACCATTCTGGTGGTTGTGGTTATGTGAGTCTCTTCTTTAACAC[G>A]CATGCCTTTGCTTAAAACCCGATTGTGGTCATCTTCTTCACTACTGGCTTTCATTTGAAA-3'
Protein context (NP_066267.2, residues 2229-2249): DHNRVLSKGM[Arg2239Cys]VKEETHITTT